The following is an entry in ClinVar:

NM_003482.4(KMT2D):c.5630G>C (p.Arg1877Thr)

Gene: KMT2D (lysine methyltransferase 2D; minus strand). Cytogenetic location: 12q13.12.
Variant type: single nucleotide variant.
Coding change: c.5630G>C on transcript NM_003482.4 (MANE Select); coding-DNA position 5630, G replaced by C.
Protein change: p.Arg1877Thr; replaces arginine 1877 with threonine.
Molecular consequence: missense variant.
Genome position (GRCh38, 1-based): chr12:49,043,090, C>G on the plus strand (G>C on the coding strand, the complement: KMT2D is on the minus strand). VCF-style: chr12-49043090-C-G. GRCh37 (hg19) VCF-style: chr12-49436873-C-G.
Other names: short protein forms R1877T.
Identifiers: ClinVar variation 4976292 (VCV004976292.1).
Genomic context (GRCh38, chr12:49,043,090, plus strand): 5'-CCATAGAAAACCCTTATACACAAAGAGGTACGGGTCACAGCCTCACCTTCTGTGGAAATC[C>G]TGTCTAAGTCAGAGCTAAGCATCCCTTCACCTGGGGTGCCTGGCTTCTCAGGGTCACTGG-3'
Protein context (NP_003473.3, residues 1867-1887): GEGMLSSDLD[Arg1877Thr]ISTEELPKME

ClinVar aggregate classification (germline): Uncertain significance (1 of 4 stars; one submission).

Submission:

GeneDx
Classification: Uncertain significance. Last evaluated: 2026-02-19. Review status: criteria provided, single submitter. Criteria: GeneDx Variant Classification Process June 2021. Collection method: clinical testing. Allele origin: germline.
Comment: Not observed at significant frequency in large population cohorts (gnomAD); In silico analysis supports that this missense variant has a deleterious effect on protein structure/function; Has not been previously published as pathogenic or benign to our knowledge